The following is an entry in ClinVar:

ClinVar aggregate classification (germline): Uncertain significance (1 of 4 stars; one submission).

Allele frequency attached by ClinVar (database versions not stated): gnomAD exomes below 0.00001; TOPMed below 0.00001.
gnomAD v4.1: 2 of 1,609,070 alleles (0.00012%); highest among the groups gnomAD compares: Non-Finnish European, 0.00017%; no homozygotes.

Submission:

Labcorp Genetics (formerly Invitae), Labcorp
Classification: Uncertain significance. Last evaluated: 2024-10-16. Review status: criteria provided, single submitter. Criteria: Invitae Variant Classification Sherloc (09022015). Collection method: clinical testing. Allele origin: germline.
Comment: This sequence change replaces leucine, which is neutral and non-polar, with phenylalanine, which is neutral and non-polar, at codon 471 of the TFRC protein (p.Leu471Phe). This variant is not present in population databases (gnomAD no frequency). This variant has not been reported in the literature in individuals affected with TFRC-related conditions. ClinVar contains an entry for this variant (Variation ID: 2126354). Invitae Evidence Modeling of protein sequence and biophysical properties (such as structural, functional, and spatial information, amino acid conservation, physicochemical variation, residue mobility, and thermodynamic stability) indicates that this missense variant is not expected to disrupt TFRC protein function with a negative predictive value of 80%. In summary, the available evidence is currently insufficient to determine the role of this variant in disease. Therefore, it has been classified as a Variant of Uncertain Significance.

NM_001128148.3(TFRC):c.1411C>T (p.Leu471Phe)

Gene: TFRC (transferrin receptor; minus strand). Cytogenetic location: 3q29.
Variant type: single nucleotide variant.
Coding change: c.1411C>T on transcript NM_001128148.3 (MANE Select); coding-DNA position 1411, C replaced by T.
Protein change: p.Leu471Phe; replaces leucine 471 with phenylalanine.
Molecular consequence: missense variant.
Genome position (GRCh38, 1-based): chr3:196,062,639, G>A on the plus strand (C>T on the coding strand, the complement: TFRC is on the minus strand). VCF-style: chr3-196062639-G-A. GRCh37 (hg19) VCF-style: chr3-195789510-G-A.
Other names: c.1168C>T, p.Leu390Phe (NM_001313965.2); c.565C>T, p.Leu189Phe (NM_001313966.2); c.1411C>T, p.Leu471Phe (NM_003234.4); short protein forms L189F, L390F, L471F.
Identifiers: ClinVar variation 2126354 (VCV002126354.4), dbSNP rs1577229787, ClinGen allele CA355569854.